The following is an entry in ClinVar:

NM_053025.4(MYLK):c.2140+3G>T

Gene: MYLK (myosin light chain kinase; minus strand). Cytogenetic location: 3q21.1.
Variant type: single nucleotide variant.
Coding change: c.2140+3G>T on transcript NM_053025.4 (MANE Select); 3 bases into the intron after coding-DNA position 2140, G replaced by T.
Molecular consequence: intron variant.
Genome position (GRCh38, 1-based): chr3:123,708,695, C>A on the plus strand (G>T on the coding strand, the complement: MYLK is on the minus strand). VCF-style: chr3-123708695-C-A. GRCh37 (hg19) VCF-style: chr3-123427542-C-A.
Other names: c.1612+3G>T (NM_001321309.2); c.1933+3G>T (NM_053028.4, NM_053026.4); c.2140+3G>T (NM_053027.4).
Identifiers: ClinVar variation 2904730 (VCV002904730.3), dbSNP rs777977736, ClinGen allele CA545981362.

ClinVar aggregate classification (germline): Uncertain significance (1 of 4 stars; one submission).

Conditions:
Aortic aneurysm, familial thoracic 7 (AAT7). Also called: AORTIC DISSECTION, FAMILIAL, WITH OR WITHOUT AORTIC ANEURYSM. Identifiers: MedGen C3151077, MONDO:0013418, OMIM 613780.

Allele frequency attached by ClinVar (database versions not stated): TOPMed 0.00002.
gnomAD v4.1: 4 of 1,613,940 alleles (0.00025%); highest among the groups gnomAD compares: African/African-American, 0.0053%; no homozygotes.

Submission:

Labcorp Genetics (formerly Invitae), Labcorp
Classification: Uncertain significance for Aortic aneurysm, familial thoracic 7. Last evaluated: 2023-12-21. Review status: criteria provided, single submitter. Criteria: Invitae Variant Classification Sherloc (09022015). Collection method: clinical testing. Allele origin: germline.
Comment: This sequence change falls in intron 15 of the MYLK gene. It does not directly change the encoded amino acid sequence of the MYLK protein. It affects a nucleotide within the consensus splice site. This variant is present in population databases (no rsID available, gnomAD 0.008%). This variant has not been reported in the literature in individuals affected with MYLK-related conditions. Variants that disrupt the consensus splice site are a relatively common cause of aberrant splicing (PMID: 17576681, 9536098). Algorithms developed to predict the effect of sequence changes on RNA splicing suggest that this variant may disrupt the consensus splice site. In summary, the available evidence is currently insufficient to determine the role of this variant in disease. Therefore, it has been classified as a Variant of Uncertain Significance.

Literature cited by the submitters: PubMed 17576681; PubMed 9536098.